The following is an entry in ClinVar:

ClinVar aggregate classification (germline): Likely pathogenic (1 of 4 stars; one submission).

Conditions:
Febrile seizures, familial, 8 (FEB8). Also called: CONVULSIONS, FAMILIAL FEBRILE, 8. Identifiers: Orphanet 36387, MedGen C1969810, MONDO:0011891, OMIM 607681.
EPILEPSY, CHILDHOOD ABSENCE, SUSCEPTIBILITY TO, 2 (ECA2). Identifiers: Orphanet 64280, MedGen C1843244, OMIM 607681.

Submission:

Labcorp Genetics (formerly Invitae), Labcorp
Classification: Likely pathogenic for Familial febrile seizures 8; Epilepsy, childhood absence 2. Last evaluated: 2019-07-18. Review status: criteria provided, single submitter. Criteria: Invitae Variant Classification Sherloc (09022015). Collection method: clinical testing. Allele origin: germline.
Comment: This variant is a gross deletion of the genomic region encompassing exons 7-9 of the GABRG2 gene. The 5' boundary is likely confined to intron 7. The 3' end of this event is unknown as it extends through the termination codon beyond the assayed region for this gene and may encompass additional genes. While this deletion is not anticipated to result in nonsense mediated decay, it is expected to create a truncated protein product or disrupt mRNA translation. This variant has not been reported in the literature, however, a few different truncating mutations that escape nonsense mediated decay have been determined to be pathogenic (PMID: 18566737, 23720301). Experimental studies have shown that those truncations resulted in truncated GABRG2 protein with loss of protein function, as well as varying degrees of dominant negative effect. In summary, this variant is a gross deletion that is not anticipated to result in nonsense mediated decay. Similar truncating mutations have been shown to be pathogenic, possibly through a dominant negative mechanism. However, the functional consequence of this particular deletion has not been studied. For these reasons, this variant has been classified as Likely Pathogenic.

Literature cited by the submitters: PubMed 18566737; PubMed 23720301.

NC_000005.10:g.(?_162142144)_(162153388_?)del

Gene: GABRG2 (gamma-aminobutyric acid type A receptor subunit gamma2; plus strand). Cytogenetic location: 5q34.
Variant type: Deletion.
Identifiers: ClinVar variation 468864 (VCV000468864.2).